The following is an entry in ClinVar:

NM_052947.4(ALPK2):c.1942G>A (p.Asp648Asn)

Gene: ALPK2 (alpha kinase 2; minus strand). Cytogenetic location: 18q21.31.
Variant type: single nucleotide variant.
Coding change: c.1942G>A on transcript NM_052947.4 (MANE Select); coding-DNA position 1942, G replaced by A.
Protein change: p.Asp648Asn; replaces aspartic acid 648 with asparagine.
Molecular consequence: missense variant.
Genome position (GRCh38, 1-based): chr18:58,578,834, C>T on the plus strand (G>A on the coding strand, the complement: ALPK2 is on the minus strand). VCF-style: chr18-58578834-C-T. GRCh37 (hg19) VCF-style: chr18-56246066-C-T.
Other names: short protein forms D648N.
Identifiers: ClinVar variation 1783075 (VCV001783075.2), dbSNP rs2051937677, ClinGen allele CA402559389.
Genomic context (GRCh38, chr18:58,578,834, plus strand): 5'-TTCTTTTTATCTCGTAATTTCTTTAAAAGAAAAGTCTTACCTGAGGAGGATCACTCCAGT[C>T]TGGAACCTGGCTTGTTTCAAATAGAGTATTAACTTGCATGCCTTCTCCCTTGCAATTTGT-3'
Protein context (NP_443179.3, residues 638-658): NTLFETSQVP[Asp648Asn]WSDPPQVQVQ

ClinVar aggregate classification (germline): Uncertain significance (1 of 4 stars; one submission).

Submission:

Ambry Genetics
Classification: Uncertain significance. Last evaluated: 2022-07-07. Review status: criteria provided, single submitter. Criteria: Ambry Variant Classification Scheme 2023. Collection method: clinical testing. Allele origin: germline.
Comment: The p.D648N variant (also known as c.1942G>A), located in coding exon 3 of the ALPK2 gene, results from a G to A substitution at nucleotide position 1942. The aspartic acid at codon 648 is replaced by asparagine, an amino acid with highly similar properties. This amino acid position is conserved. In addition, this alteration is predicted to be tolerated by in silico analysis. Since supporting evidence is limited at this time, the clinical significance of this alteration remains unclear.